The following is an entry in ClinVar:

NM_152906.7(TANGO2):c.605C>T (p.Ala202Val)

Gene: TANGO2 (transport and golgi organization 2 homolog; plus strand). Cytogenetic location: 22q11.21.
Variant type: single nucleotide variant.
Coding change: c.605C>T on transcript NM_152906.7 (MANE Select); coding-DNA position 605, C replaced by T.
Protein change: p.Ala202Val; replaces alanine 202 with valine.
Molecular consequence: missense variant. On other transcripts: non-coding transcript variant (3), splice donor variant (5), intron variant (4).
Genome position (GRCh38, 1-based): chr22:20,061,683, C>T. VCF-style: chr22-20061683-C-T. GRCh37 (hg19) VCF-style: chr22-20049206-C-T.
Other names: c.605C>T, p.Ala202Val (NM_001283106.3, NM_001283116.3, NM_001322142.2); c.728C>T, p.Ala243Val (NM_001283129.3, NM_001322141.2, NM_001322143.2); c.419C>T, p.Ala140Val (NM_001283179.3, NM_001283186.3, NM_001322163.2 and 2 more transcripts); c.311C>T, p.Ala104Val (NM_001283235.3, NM_001322150.2, NM_001322153.2 and 6 more transcripts); c.542C>T, p.Ala181Val (NM_001322145.2, NM_001322147.2); c.503C>T, p.Ala168Val (NM_001322146.2, NM_001322148.2); c.501+2C>T (NM_001322160.2); c.603+2C>T (NM_001283154.3, NM_001283148.3); and 6 more; short protein forms A202V, A140V, A181V, A243V, A104V, A168V.
Identifiers: ClinVar variation 1472429 (VCV001472429.3), dbSNP rs2048412055, ClinGen allele CA410699606.

ClinVar aggregate classification (germline): Uncertain significance (1 of 4 stars; one submission).

Allele frequency attached by ClinVar (database versions not stated): gnomAD exomes below 0.00001; gnomAD 0.00001; TOPMed 0.00001.
gnomAD v4.1: 2 of 1,545,986 alleles (0.00013%); highest among the groups gnomAD compares: African/African-American, 0.0014%; no homozygotes.

Submission:

Labcorp Genetics (formerly Invitae), Labcorp
Classification: Uncertain significance. Last evaluated: 2021-11-11. Review status: criteria provided, single submitter. Criteria: Invitae Variant Classification Sherloc (09022015). Collection method: clinical testing. Allele origin: germline.
Comment: This sequence change replaces alanine, which is neutral and non-polar, with valine, which is neutral and non-polar, at codon 202 of the TANGO2 protein (p.Ala202Val). This variant is not present in population databases (gnomAD no frequency). This variant has not been reported in the literature in individuals affected with TANGO2-related conditions. Algorithms developed to predict the effect of missense changes on protein structure and function are either unavailable or do not agree on the potential impact of this missense change (SIFT: "Not Available"; PolyPhen-2: "Benign"; Align-GVGD: "Not Available"). In summary, the available evidence is currently insufficient to determine the role of this variant in disease. Therefore, it has been classified as a Variant of Uncertain Significance.